The following is an entry in ClinVar:

ClinVar aggregate classification (germline): Benign/Likely benign. Review status: criteria provided, multiple submitters, no conflicts (2 of 4 stars). 3 submissions from 3 submitters: Benign (2); Likely benign (1). Last evaluated 2026-01-25.

Allele frequency attached by ClinVar (database versions not stated): gnomAD exomes 0.00050 and 0.00081; ExAC 0.00085; 1000 Genomes Project 30x 0.00156; 1000 Genomes Project 0.00160; ESP Exome Variant Server 0.00168; gnomAD 0.00208 and 0.00225; TOPMed 0.00257.
gnomAD v4.1: 1,074 of 1,613,670 alleles (0.067%); highest among the groups gnomAD compares: African/African-American, 0.66%; 3 homozygotes.

Submissions (3):

Labcorp Genetics (formerly Invitae), Labcorp
Classification: Benign. Last evaluated: 2026-01-25. Review status: criteria provided, single submitter. Criteria: Invitae Variant Classification Sherloc (09022015). Collection method: clinical testing. Allele origin: germline.

CeGaT Center for Human Genetics Tuebingen
Classification: Likely benign. Last evaluated: 2025-11-01. Review status: criteria provided, single submitter. Criteria: CeGaT Center For Human Genetics Tuebingen Variant Classification Criteria Version 2. Collection method: clinical testing. Allele origin: germline. Affected: yes. Observed: 1 variant allele.
Comment: ROBO1: BP4

Breakthrough Genomics
Classification: Benign. Review status: criteria provided, single submitter. Criteria: ACMG Guidelines, 2015. Collection method: not provided. Allele origin: germline. Inheritance: Unknown mechanism. Affected: yes.

NM_002941.4(ROBO1):c.798G>A (p.Lys266=)

Gene: ROBO1 (roundabout guidance receptor 1; minus strand). Cytogenetic location: 3p12.3.
Variant type: single nucleotide variant.
Coding change: c.798G>A on transcript NM_002941.4 (MANE Select); coding-DNA position 798, G replaced by A.
Protein change: p.Lys266=; no amino-acid change (lysine 266 retained).
Molecular consequence: synonymous variant.
Genome position (GRCh38, 1-based): chr3:78,717,394, C>T on the plus strand (G>A on the coding strand, the complement: ROBO1 is on the minus strand). VCF-style: chr3-78717394-C-T. GRCh37 (hg19) VCF-style: chr3-78766544-C-T.
Other names: c.681G>A, p.Lys227= (NM_001145845.2, NM_133631.4).
Identifiers: ClinVar variation 783398 (VCV000783398.16), dbSNP rs377233944, ClinGen allele CA2499139.